The following is an entry in ClinVar:

NM_006767.4(LZTR1):c.2456A>C (p.Asp819Ala)

Gene: LZTR1 (leucine zipper like post translational regulator 1; plus strand). Cytogenetic location: 22q11.21.
Variant type: single nucleotide variant.
Coding change: c.2456A>C on transcript NM_006767.4 (MANE Select); coding-DNA position 2456, A replaced by C.
Protein change: p.Asp819Ala; replaces aspartic acid 819 with alanine.
Molecular consequence: missense variant.
Genome position (GRCh38, 1-based): chr22:20,997,281, A>C. VCF-style: chr22-20997281-A-C. GRCh37 (hg19) VCF-style: chr22-21351570-A-C.
Other names: short protein forms D819A.
Identifiers: ClinVar variation 1358061 (VCV001358061.13), dbSNP rs765969026, ClinGen allele CA410781693.

ClinVar aggregate classification (germline): Uncertain significance. Review status: criteria provided, multiple submitters, no conflicts (2 of 4 stars). 4 submissions from 4 submitters: Uncertain significance (4). Last evaluated 2025-06-15.

Conditions:
Cardiovascular phenotype. Identifiers: MedGen CN230736.
Hereditary cancer-predisposing syndrome. Also called: Tumor predisposition; Hereditary neoplastic syndrome; Neoplastic Syndromes, Hereditary; Hereditary Cancer Syndrome. Identifiers: Orphanet 140162, MedGen C0027672, MeSH D009386, MONDO:0015356.
LZTR1-related schwannomatosis. Also called: Schwannomatosis 2; Schwannomatosis-2, susceptibility to. Identifiers: Orphanet 93921, MedGen C3810283, MONDO:0014299, OMIM 615670.

Allele frequency attached by ClinVar (database versions not stated): gnomAD 0.00001; TOPMed 0.00001.
gnomAD v4.1: 5 of 1,613,696 alleles (0.00031%); highest among the groups gnomAD compares: Non-Finnish European, 0.00042%; no homozygotes.

Submissions (4):

Ambry Genetics
Classification: Uncertain significance for Cardiovascular phenotype; Hereditary cancer-predisposing syndrome. Last evaluated: 2025-06-15. Review status: criteria provided, single submitter. Criteria: Ambry Variant Classification Scheme 2023. Collection method: clinical testing. Allele origin: germline.
Comment: The p.D819A variant (also known as c.2456A>C), located in coding exon 21 of the LZTR1 gene, results from an A to C substitution at nucleotide position 2456. The aspartic acid at codon 819 is replaced by alanine, an amino acid with dissimilar properties. This amino acid position is well conserved in available vertebrate species. In addition, the in silico prediction for this alteration is inconclusive. Since supporting evidence is limited at this time, the clinical significance of this alteration remains unclear.

Labcorp Genetics (formerly Invitae), Labcorp
Classification: Uncertain significance. Last evaluated: 2025-01-21. Review status: criteria provided, single submitter. Criteria: Invitae Variant Classification Sherloc (09022015). Collection method: clinical testing. Allele origin: germline.
Comment: This sequence change replaces aspartic acid, which is acidic and polar, with alanine, which is neutral and non-polar, at codon 819 of the LZTR1 protein (p.Asp819Ala). This variant is present in population databases (no rsID available, gnomAD 0.0009%). This variant has not been reported in the literature in individuals affected with LZTR1-related conditions. ClinVar contains an entry for this variant (Variation ID: 1358061). Invitae Evidence Modeling of protein sequence and biophysical properties (such as structural, functional, and spatial information, amino acid conservation, physicochemical variation, residue mobility, and thermodynamic stability) indicates that this missense variant is not expected to disrupt LZTR1 protein function with a negative predictive value of 80%. In summary, the available evidence is currently insufficient to determine the role of this variant in disease. Therefore, it has been classified as a Variant of Uncertain Significance.

GeneDx
Classification: Uncertain significance. Last evaluated: 2024-08-06. Review status: criteria provided, single submitter. Criteria: GeneDx Variant Classification Process June 2021. Collection method: clinical testing. Allele origin: germline. Affected: yes.
Comment: Not observed at significant frequency in large population cohorts (gnomAD); In silico analysis supports that this missense variant has a deleterious effect on protein structure/function; Has not been previously published as pathogenic or benign to our knowledge

Baylor Genetics
Classification: Uncertain significance for LZTR1-related schwannomatosis. Last evaluated: 2023-10-01. Review status: criteria provided, single submitter. Criteria: ACMG Guidelines, 2015. Collection method: clinical testing. Allele origin: unknown.